The following is an entry in ClinVar:

NM_018979.4(WNK1):c.4677T>G (p.Ser1559Arg)

Gene: WNK1 (WNK lysine deficient protein kinase 1; plus strand). Cytogenetic location: 12p13.33.
Variant type: single nucleotide variant.
Coding change: c.4677T>G on transcript NM_018979.4 (MANE Select); coding-DNA position 4677, T replaced by G.
Protein change: p.Ser1559Arg; replaces serine 1559 with arginine.
Molecular consequence: missense variant.
Genome position (GRCh38, 1-based): chr12:885,481, T>G. VCF-style: chr12-885481-T-G. GRCh37 (hg19) VCF-style: chr12-994647-T-G.
Other names: c.5457T>G, p.Ser1819Arg (NM_001184985.2); c.3936T>G, p.Ser1312Arg (NM_014823.3); c.5433T>G, p.Ser1811Arg (NM_213655.5); short protein forms S1312R, S1559R, S1819R, S1811R.
Identifiers: ClinVar variation 2047822 (VCV002047822.4), dbSNP rs1373794805, ClinGen allele CA383331707.

ClinVar aggregate classification (germline): Uncertain significance (1 of 4 stars; one submission).

Conditions:
Neuropathy, hereditary sensory and autonomic, type 2A (HSAN2A). Also called: ACROOSTEOLYSIS, GIACCAI TYPE; ACROOSTEOLYSIS, NEUROGENIC; MORVAN DISEASE; NEUROPATHY, CONGENITAL SENSORY; NEUROPATHY, HEREDITARY SENSORY RADICULAR, AUTOSOMAL RECESSIVE; NEUROPATHY, HEREDITARY SENSORY, TYPE IIA. Identifiers: Orphanet 970, MedGen C2752089, MONDO:0024309, OMIM 201300.
Pseudohypoaldosteronism type 2C (PHA2C). Also called: Pseudohypoaldosteronism Type IIC. Identifiers: Orphanet 757, Orphanet 88940, MedGen C1840391, MONDO:0013778, OMIM 614492.

Allele frequency attached by ClinVar (database versions not stated): gnomAD exomes below 0.00001; TOPMed 0.00001; gnomAD 0.00002.
gnomAD v4.1: 6 of 1,613,900 alleles (0.00037%); highest among the groups gnomAD compares: Non-Finnish European, 0.00051%; no homozygotes.

Submission:

Labcorp Genetics (formerly Invitae), Labcorp
Classification: Uncertain significance for Neuropathy, hereditary sensory and autonomic, type 2A; Pseudohypoaldosteronism type 2C. Last evaluated: 2025-08-09. Review status: criteria provided, single submitter. Criteria: Invitae Variant Classification Sherloc (09022015). Collection method: clinical testing. Allele origin: germline.
Comment: This sequence change replaces serine, which is neutral and polar, with arginine, which is basic and polar, at codon 1811 of the WNK1 protein (p.Ser1811Arg). This variant is present in population databases (no rsID available, gnomAD 0.002%). This variant has not been reported in the literature in individuals affected with WNK1-related conditions. ClinVar contains an entry for this variant (Variation ID: 2047822). Invitae Evidence Modeling of protein sequence and biophysical properties (such as structural, functional, and spatial information, amino acid conservation, physicochemical variation, residue mobility, and thermodynamic stability) indicates that this missense variant is not expected to disrupt WNK1 protein function with a negative predictive value of 95%. In summary, the available evidence is currently insufficient to determine the role of this variant in disease. Therefore, it has been classified as a Variant of Uncertain Significance.